The following is an entry in ClinVar:

NM_001105206.3(LAMA4):c.329G>T (p.Cys110Phe)

Gene: LAMA4 (laminin subunit alpha 4; minus strand). Cytogenetic location: 6q21.
Variant type: single nucleotide variant.
Coding change: c.329G>T on transcript NM_001105206.3 (MANE Select); coding-DNA position 329, G replaced by T.
Protein change: p.Cys110Phe; replaces cysteine 110 with phenylalanine.
Molecular consequence: missense variant.
Genome position (GRCh38, 1-based): chr6:112,207,114, C>A on the plus strand (G>T on the coding strand, the complement: LAMA4 is on the minus strand). VCF-style: chr6-112207114-C-A. GRCh37 (hg19) VCF-style: chr6-112528315-C-A.
Other names: c.329G>T, p.Cys110Phe (NM_001105207.3, NM_002290.5); short protein forms C110F.
Identifiers: ClinVar variation 3866219 (VCV003866219.1).
Genomic context (GRCh38, chr6:112,207,114, plus strand): 5'-TGGCAGAATTGGGGTGCTCCCCTGATGGAATCTCCGATATAACCATCCAGACACTTTTCA[C>A]AGTGCTCTCCTGTTGTGTTCCGCTGGCAGTGCTATGAGACAAAAGACAAGAAGATTGACA-3'
Protein context (NP_001098676.2, residues 100-120): HCQRNTTGEH[Cys110Phe]EKCLDGYIGD

ClinVar aggregate classification (germline): Uncertain significance (1 of 4 stars; one submission).

Conditions:
Cardiovascular phenotype. Identifiers: MedGen CN230736.

Submission:

Ambry Genetics
Classification: Uncertain significance for Cardiovascular phenotype. Last evaluated: 2025-02-27. Review status: criteria provided, single submitter. Criteria: Ambry Variant Classification Scheme 2023. Collection method: clinical testing. Allele origin: germline.
Comment: The p.C110F variant (also known as c.329G>T), located in coding exon 3 of the LAMA4 gene, results from a G to T substitution at nucleotide position 329. The cysteine at codon 110 is replaced by phenylalanine, an amino acid with highly dissimilar properties. This amino acid position is conserved. In addition, this alteration is predicted to be deleterious by in silico analysis. Based on the available evidence, the clinical significance of this variant remains unclear.